The following is an entry in ClinVar:

ClinVar aggregate classification (germline): Uncertain significance. Review status: criteria provided, multiple submitters, no conflicts (2 of 4 stars). 3 submissions from 3 submitters: Uncertain significance (2). 1 of the submissions does not count toward it. Last evaluated 2022-06-04.

Conditions:
Primary ciliary dyskinesia. Also called: Ciliary dyskinesia. Identifiers: Orphanet 244, MedGen C0008780, MONDO:0016575, HP:0012265.

Allele frequency attached by ClinVar (database versions not stated): gnomAD 0.00005; TOPMed 0.00006; ESP Exome Variant Server 0.00008.
gnomAD v4.1: 27 of 1,614,002 alleles (0.0017%); highest among the groups gnomAD compares: African/African-American, 0.023%; no homozygotes.

Submissions (3):

Labcorp Genetics (formerly Invitae), Labcorp
Classification: Uncertain significance for Primary ciliary dyskinesia. Last evaluated: 2022-06-04. Review status: criteria provided, single submitter. Criteria: Invitae Variant Classification Sherloc (09022015). Collection method: clinical testing. Allele origin: germline.
Comment: This sequence change replaces threonine, which is neutral and polar, with methionine, which is neutral and non-polar, at codon 49 of the DNAI2 protein (p.Thr49Met). This variant is present in population databases (rs374715330, gnomAD 0.02%). This variant has not been reported in the literature in individuals affected with DNAI2-related conditions. ClinVar contains an entry for this variant (Variation ID: 638979). Algorithms developed to predict the effect of missense changes on protein structure and function output the following: SIFT: "Tolerated"; PolyPhen-2: "Benign"; Align-GVGD: "Class C0". The methionine amino acid residue is found in multiple mammalian species, which suggests that this missense change does not adversely affect protein function. In summary, the available evidence is currently insufficient to determine the role of this variant in disease. Therefore, it has been classified as a Variant of Uncertain Significance.

Ambry Genetics
Classification: Uncertain significance for Primary ciliary dyskinesia. Last evaluated: 2015-08-19. Review status: criteria provided, single submitter. Criteria: Ambry Variant Classification Scheme 2023. Collection method: clinical testing. Allele origin: germline.
Comment: The p.T49M variant (also known as c.146C>T), located in coding exon 1 of the DNAI2 gene, results from a C to T substitution at nucleotide position 146. The threonine at codon 49 is replaced by methionine, an amino acid with similar properties. This variant was previously reported in the SNPDatabase as rs374715330. Based on data from the NHLBI Exome Sequencing Project (ESP), the T allele has an overall frequency of approximately 0.01% (1/13006) total alleles studied, having been observed in 0.02% (1/4406) African American alleles. This amino acid position is not well conserved in available vertebrate species. In addition, this alteration is predicted to be tolerated by in silico analysis. Since supporting evidence is limited at this time, the clinical significance of this variant remains unclear.

Natera, Inc.
Classification: Uncertain significance for Primary ciliary dyskinesia. Last evaluated: 2020-09-16. Review status: no assertion criteria provided. Collection method: clinical testing. Allele origin: germline. Not counted in ClinVar's aggregate classification.

NM_023036.6(DNAI2):c.146C>T (p.Thr49Met)

Gene: DNAI2 (dynein axonemal intermediate chain 2; plus strand). Cytogenetic location: 17q25.1.
Variant type: single nucleotide variant.
Coding change: c.146C>T on transcript NM_023036.6 (MANE Select); coding-DNA position 146, C replaced by T.
Protein change: p.Thr49Met; replaces threonine 49 with methionine.
Molecular consequence: missense variant. On other transcripts: non-coding transcript variant (1).
Genome position (GRCh38, 1-based): chr17:74,281,963, C>T. VCF-style: chr17-74281963-C-T. GRCh37 (hg19) VCF-style: chr17-72278102-C-T.
Other names: c.146C>T, p.Thr49Met (NM_001172810.3, NM_001353167.2); short protein forms T49M.
Identifiers: ClinVar variation 638979 (VCV000638979.6), dbSNP rs374715330, ClinGen allele CA8745258.